The following is an entry in ClinVar:

NM_000064.4(C3):c.4725G>C (p.Glu1575Asp)

Gene: C3 (complement C3; minus strand). Cytogenetic location: 19p13.3.
Variant type: single nucleotide variant.
Coding change: c.4725G>C on transcript NM_000064.4 (MANE Select); coding-DNA position 4725, G replaced by C.
Protein change: p.Glu1575Asp; replaces glutamic acid 1575 with aspartic acid.
Molecular consequence: missense variant.
Genome position (GRCh38, 1-based): chr19:6,678,277, C>G on the plus strand (G>C on the coding strand, the complement: C3 is on the minus strand). VCF-style: chr19-6678277-C-G. GRCh37 (hg19) VCF-style: chr19-6678288-C-G.
Other names: short protein forms E1575D.
Identifiers: ClinVar variation 1990836 (VCV001990836.4), dbSNP rs773903830, ClinGen allele CA9128272.

ClinVar aggregate classification (germline): Uncertain significance (1 of 4 stars; one submission).

Allele frequency attached by ClinVar (database versions not stated): gnomAD exomes below 0.00001; TOPMed below 0.00001; ExAC 0.00001; gnomAD 0.00001.
gnomAD v4.1: 2 of 1,614,032 alleles (0.00012%); highest among the groups gnomAD compares: Admixed American, 0.0033%; no homozygotes.

Submission:

Labcorp Genetics (formerly Invitae), Labcorp
Classification: Uncertain significance. Last evaluated: 2024-12-30. Review status: criteria provided, single submitter. Criteria: Invitae Variant Classification Sherloc (09022015). Collection method: clinical testing. Allele origin: germline.
Comment: This sequence change replaces glutamic acid, which is acidic and polar, with aspartic acid, which is acidic and polar, at codon 1575 of the C3 protein (p.Glu1575Asp). This variant is present in population databases (rs773903830, gnomAD 0.003%). This variant has not been reported in the literature in individuals affected with C3-related conditions. ClinVar contains an entry for this variant (Variation ID: 1990836). Invitae Evidence Modeling of protein sequence and biophysical properties (such as structural, functional, and spatial information, amino acid conservation, physicochemical variation, residue mobility, and thermodynamic stability) indicates that this missense variant is not expected to disrupt C3 protein function with a negative predictive value of 80%. In summary, the available evidence is currently insufficient to determine the role of this variant in disease. Therefore, it has been classified as a Variant of Uncertain Significance.